The following is an entry in ClinVar:

ClinVar aggregate classification (germline): Uncertain significance. Review status: criteria provided, multiple submitters, no conflicts (2 of 4 stars). 2 submissions from 2 submitters: Uncertain significance (2). Last evaluated 2023-02-16.

Conditions:
Cardiomyopathy (CMYO). Also called: Cardiomyopathies. Identifiers: Orphanet 167848, MedGen C0878544, MONDO:0004994, HP:0001638. Inheritance: Various modes of inheritance.
Catecholaminergic polymorphic ventricular tachycardia 1. Also called: VENTRICULAR TACHYCARDIA, STRESS-INDUCED POLYMORPHIC 1; VENTRICULAR TACHYCARDIA, CATECHOLAMINERGIC POLYMORPHIC, 1, WITH OR WITHOUT ATRIAL DYSFUNCTION AND/OR DILATED CARDIOMYOPATHY; RYR2-Related Catecholaminergic Polymorphic Ventricular Tachycardia. Identifiers: Orphanet 3286, MedGen C1631597, MONDO:0011484, OMIM 604772.

Submissions (2):

Labcorp Genetics (formerly Invitae), Labcorp
Classification: Uncertain significance for Catecholaminergic polymorphic ventricular tachycardia 1. Last evaluated: 2023-02-16. Review status: criteria provided, single submitter. Criteria: Invitae Variant Classification Sherloc (09022015). Collection method: clinical testing. Allele origin: germline.
Comment: This sequence change falls in intron 66 of the RYR2 gene. It does not directly change the encoded amino acid sequence of the RYR2 protein. It affects a nucleotide within the consensus splice site. This variant is not present in population databases (gnomAD no frequency). This variant has not been reported in the literature in individuals affected with RYR2-related conditions. ClinVar contains an entry for this variant (Variation ID: 1171881). Variants that disrupt the consensus splice site are a relatively common cause of aberrant splicing (PMID: 17576681, 9536098). Algorithms developed to predict the effect of sequence changes on RNA splicing suggest that this variant is not likely to affect RNA splicing. In summary, the available evidence is currently insufficient to determine the role of this variant in disease. Therefore, it has been classified as a Variant of Uncertain Significance.

Color Diagnostics, LLC DBA Color Health
Classification: Uncertain significance for Cardiomyopathy. Last evaluated: 2021-02-18. Review status: criteria provided, single submitter. Criteria: ACMG Guidelines, 2015. Collection method: clinical testing. Allele origin: germline.
Comment: This variant causes an A to G nucleotide substitution at the +6 position of intron 66 of the RYR2 gene. Splice prediction tools and conservation analysis are inconclusive regarding the impact of this variant on RNA splicing. To our knowledge, functional studies have not been reported for this variant. This variant has not been reported in individuals affected with cardiovascular disorders in the literature. This variant has not been identified in the general population by the Genome Aggregation Database (gnomAD). The available evidence is insufficient to determine the role of this variant in disease conclusively. Therefore, this variant is classified as a Variant of Uncertain Significance.

Literature cited by the submitters: PubMed 17576681 (cited by Labcorp Genetics (formerly Invitae), Labcorp); PubMed 9536098 (cited by Labcorp Genetics (formerly Invitae), Labcorp).

NM_001035.3(RYR2):c.9449+6A>G

Gene: RYR2 (ryanodine receptor 2; plus strand). Cytogenetic location: 1q43.
Variant type: single nucleotide variant.
Coding change: c.9449+6A>G on transcript NM_001035.3 (MANE Select); 6 bases into the intron after coding-DNA position 9449, A replaced by G.
Molecular consequence: intron variant.
Genome position (GRCh38, 1-based): chr1:237,702,065, A>G. VCF-style: chr1-237702065-A-G. GRCh37 (hg19) VCF-style: chr1-237865365-A-G.
Identifiers: ClinVar variation 1171881 (VCV001171881.5), dbSNP rs2149038687, ClinGen allele CA2499214599.